The following is an entry in ClinVar:

ClinVar aggregate classification (germline): Uncertain significance (1 of 4 stars; one submission).

Conditions:
Cornelia de Lange syndrome 1 (CDLS1). Also called: Brachmann de Lange syndrome; NIPBL-Related Cornelia de Lange Syndrome; TYPUS DEGENERATIVUS AMSTELODAMENSIS. Identifiers: Orphanet 199, MedGen C4551851, MONDO:0007387, OMIM 122470.

Submission:

Labcorp Genetics (formerly Invitae), Labcorp
Classification: Uncertain significance for Cornelia de Lange syndrome 1. Last evaluated: 2022-05-15. Review status: criteria provided, single submitter. Criteria: Invitae Variant Classification Sherloc (09022015). Collection method: clinical testing. Allele origin: germline.
Comment: In summary, the available evidence is currently insufficient to determine the role of this variant in disease. Therefore, it has been classified as a Variant of Uncertain Significance. Advanced modeling of protein sequence and biophysical properties (such as structural, functional, and spatial information, amino acid conservation, physicochemical variation, residue mobility, and thermodynamic stability) performed at Invitae indicates that this missense variant is expected to disrupt NIPBL protein function. This variant has not been reported in the literature in individuals affected with NIPBL-related conditions. This variant is not present in population databases (gnomAD no frequency). This sequence change replaces valine, which is neutral and non-polar, with alanine, which is neutral and non-polar, at codon 1616 of the NIPBL protein (p.Val1616Ala).

NM_133433.4(NIPBL):c.4847T>C (p.Val1616Ala)

Gene: NIPBL (NIPBL cohesin loading factor; plus strand). Cytogenetic location: 5p13.2.
Variant type: single nucleotide variant.
Coding change: c.4847T>C on transcript NM_133433.4 (MANE Select); coding-DNA position 4847, T replaced by C.
Protein change: p.Val1616Ala; replaces valine 1616 with alanine.
Molecular consequence: missense variant.
Genome position (GRCh38, 1-based): chr5:37,017,089, T>C. VCF-style: chr5-37017089-T-C. GRCh37 (hg19) VCF-style: chr5-37017191-T-C.
Other names: c.4847T>C, p.Val1616Ala (NM_015384.5); short protein forms V1616A.
Identifiers: ClinVar variation 1994707 (VCV001994707.4), dbSNP rs2478279903, ClinGen allele CA359484341.